The following is an entry in ClinVar:

ClinVar aggregate classification (germline): Pathogenic. Review status: criteria provided, single submitter (1 of 4 stars). 2 submissions from 2 submitters: Pathogenic (1). 1 of the submissions does not count toward it. Last evaluated 2023-11-17.

Conditions:
Charcot-Marie-Tooth disease type 2. Also called: Charcot-Marie-Tooth type 2. Identifiers: Orphanet 64746, MedGen C0270914, MONDO:0018993.
Global developmental delay (DD). Also called: Cognitive delay. Identifiers: MedGen C0557874, HP:0001263. Disease mechanism: loss of function.

Allele frequency attached by ClinVar (database versions not stated): gnomAD exomes below 0.00001.

Submissions (2):

Labcorp Genetics (formerly Invitae), Labcorp
Classification: Pathogenic for Charcot-Marie-Tooth disease type 2. Last evaluated: 2023-11-17. Review status: criteria provided, single submitter. Criteria: Invitae Variant Classification Sherloc (09022015). Collection method: clinical testing. Allele origin: germline.
Comment: This sequence change creates a premature translational stop signal (p.Arg373*) in the MFN2 gene. It is expected to result in an absent or disrupted protein product. Loss-of-function variants in MFN2 are known to be pathogenic (PMID: 16714318, 16835246, 21715711, 23781337, 26955893). This variant is not present in population databases (gnomAD no frequency). This variant has not been reported in the literature in individuals affected with MFN2-related conditions. ClinVar contains an entry for this variant (Variation ID: 962502). For these reasons, this variant has been classified as Pathogenic.

Centre de Biologie Pathologie Génétique, Centre Hospitalier Universitaire de Lille
Classification: Uncertain significance for Global developmental delay. Last evaluated: 2020-01-01. Review status: no assertion criteria provided. Collection method: clinical testing. Allele origin: germline. Affected: yes. Not counted in ClinVar's aggregate classification.

Literature cited by the submitters: PubMed 16714318 (cited by Labcorp Genetics (formerly Invitae), Labcorp); PubMed 16835246 (cited by Labcorp Genetics (formerly Invitae), Labcorp); PubMed 21715711 (cited by Labcorp Genetics (formerly Invitae), Labcorp); PubMed 23781337 (cited by Labcorp Genetics (formerly Invitae), Labcorp); PubMed 26955893 (cited by Labcorp Genetics (formerly Invitae), Labcorp).

NM_014874.4(MFN2):c.1117C>T (p.Arg373Ter)

Gene: MFN2 (mitofusin 2; plus strand). Cytogenetic location: 1p36.22.
Variant type: single nucleotide variant.
Coding change: c.1117C>T on transcript NM_014874.4 (MANE Select); coding-DNA position 1117, C replaced by T.
Protein change: p.Arg373Ter; replaces arginine 373 with a stop codon.
Molecular consequence: nonsense.
Genome position (GRCh38, 1-based): chr1:12,002,060, C>T. VCF-style: chr1-12002060-C-T. GRCh37 (hg19) VCF-style: chr1-12062117-C-T.
Other names: c.1117C>T, p.Arg373Ter (NM_001127660.2); short protein forms R373*.
Identifiers: ClinVar variation 962502 (VCV000962502.9), dbSNP rs1639200820, ClinGen allele CA338443091.